The following is an entry in ClinVar:

NM_000391.4(TPP1):c.380G>T (p.Arg127Leu)

Gene: TPP1 (tripeptidyl peptidase 1; minus strand). Cytogenetic location: 11p15.4.
Variant type: single nucleotide variant.
Coding change: c.380G>T on transcript NM_000391.4 (MANE Select); coding-DNA position 380, G replaced by T.
Protein change: p.Arg127Leu; replaces arginine 127 with leucine.
Molecular consequence: missense variant.
Genome position (GRCh38, 1-based): chr11:6,617,626, C>A on the plus strand (G>T on the coding strand, the complement: TPP1 is on the minus strand). VCF-style: chr11-6617626-C-A. GRCh37 (hg19) VCF-style: chr11-6638857-C-A.
Other names: short protein forms R127L.
Identifiers: ClinVar variation 1937234 (VCV001937234.4), dbSNP rs121908204, ClinGen allele CA5858985.

ClinVar aggregate classification (germline): Uncertain significance. Review status: criteria provided, multiple submitters, no conflicts (2 of 4 stars). 2 submissions from 2 submitters: Uncertain significance (2). Last evaluated 2025-07-10.

Allele frequency attached by ClinVar (database versions not stated): ExAC 0.00002.
gnomAD v4.1: 4 of 1,613,978 alleles (0.00025%); highest among the groups gnomAD compares: Admixed American, 0.0033%; no homozygotes.

Submissions (2):

Women's Health and Genetics/Laboratory Corporation of America, LabCorp
Classification: Uncertain significance. Last evaluated: 2025-07-10. Review status: criteria provided, single submitter. Criteria: LabCorp Variant Classification Summary - May 2015. Collection method: clinical testing. Allele origin: germline.
Comment: Variant summary: TPP1 c.380G>T (p.Arg127Leu) results in a non-conservative amino acid change in the encoded protein sequence. Algorithms developed to predict the effect of missense changes on protein structure and function are either unavailable or do not agree on the potential impact of this missense change. The variant allele was found at a frequency of 1.2e-05 in 251472 control chromosomes. The available data on variant occurrences in the general population are insufficient to allow any conclusion about variant significance. To our knowledge, no occurrence of c.380G>T in individuals affected with Neuronal Ceroid-Lipofuscinosis (Batten Disease) and no experimental evidence demonstrating its impact on protein function have been reported. ClinVar contains an entry for this variant (Variation ID: 1937234). Based on the evidence outlined above, the variant was classified as uncertain significance.

Labcorp Genetics (formerly Invitae), Labcorp
Classification: Uncertain significance. Last evaluated: 2025-03-25. Review status: criteria provided, single submitter. Criteria: Invitae Variant Classification Sherloc (09022015). Collection method: clinical testing. Allele origin: germline.
Comment: This sequence change affects codon 127 of the TPP1 mRNA. It is a 'silent' change, meaning that it does not change the encoded amino acid sequence of the TPP1 protein. This variant also falls at the last nucleotide of exon 4, which is part of the consensus splice site for this exon. This variant is present in population databases (rs121908204, gnomAD 0.007%). This variant has not been reported in the literature in individuals affected with TPP1-related conditions. ClinVar contains an entry for this variant (Variation ID: 1937234). An algorithm developed to predict the effect of missense changes on protein structure and function (PolyPhen-2) suggests that this variant is likely to be tolerated. Variants that disrupt the consensus splice site are a relatively common cause of aberrant splicing (PMID: 17576681, 9536098). Algorithms developed to predict the effect of sequence changes on RNA splicing suggest that this variant may disrupt the consensus splice site. In summary, the available evidence is currently insufficient to determine the role of this variant in disease. Therefore, it has been classified as a Variant of Uncertain Significance.

Literature cited by the submitters: PubMed 17576681 (cited by Labcorp Genetics (formerly Invitae), Labcorp); PubMed 9536098 (cited by Labcorp Genetics (formerly Invitae), Labcorp).